The following is an entry in ClinVar:

NM_012144.4(DNAI1):c.1019+7A>G

Gene: DNAI1 (dynein axonemal intermediate chain 1; plus strand). Cytogenetic location: 9p13.3.
Variant type: single nucleotide variant.
Coding change: c.1019+7A>G on transcript NM_012144.4 (MANE Select); 7 bases into the intron after coding-DNA position 1019, A replaced by G.
Molecular consequence: intron variant.
Genome position (GRCh38, 1-based): chr9:34,500,846, A>G. VCF-style: chr9-34500846-A-G. GRCh37 (hg19) VCF-style: chr9-34500844-A-G.
Other names: c.1031+7A>G (NM_001281428.2).
Identifiers: ClinVar variation 700398 (VCV000700398.12), dbSNP rs200720794, ClinGen allele CA5034250.

ClinVar aggregate classification (germline): Likely benign. Review status: criteria provided, multiple submitters, no conflicts (2 of 4 stars). 3 submissions from 3 submitters: Likely benign (2). 1 of the submissions does not count toward it. Last evaluated 2025-10-22.

Conditions:
DNAI1-related disorder. Also called: DNAI1-related condition.
Primary ciliary dyskinesia. Also called: Ciliary dyskinesia. Identifiers: Orphanet 244, MedGen C0008780, MONDO:0016575, HP:0012265.

Allele frequency attached by ClinVar (database versions not stated): gnomAD 0.00009 and 0.00011; TOPMed 0.00011; ESP Exome Variant Server 0.00015; 1000 Genomes Project 30x 0.00016; 1000 Genomes Project 0.00020.
gnomAD v4.1: 125 of 1,610,538 alleles (0.0078%); highest among the groups gnomAD compares: East Asian, 0.12%; no homozygotes.

Submissions (3):

Labcorp Genetics (formerly Invitae), Labcorp
Classification: Likely benign for Primary ciliary dyskinesia. Last evaluated: 2025-10-22. Review status: criteria provided, single submitter. Criteria: Invitae Variant Classification Sherloc (09022015). Collection method: clinical testing. Allele origin: germline.

PreventionGenetics, part of Exact Sciences
Classification: Likely benign for DNAI1-related condition. Last evaluated: 2025-07-30. Review status: criteria provided, single submitter. Criteria: ACMG Guidelines, 2015. Collection method: clinical testing. Allele origin: germline.
Comment: This variant is classified as likely benign based on ACMG/AMP sequence variant interpretation guidelines (Richards et al. 2015 PMID: 25741868, with internal and published modifications).

Natera, Inc.
Classification: Uncertain significance for Primary ciliary dyskinesia. Last evaluated: 2020-04-13. Review status: no assertion criteria provided. Collection method: clinical testing. Allele origin: germline. Not counted in ClinVar's aggregate classification.